The following is an entry in ClinVar:

NM_138576.4(BCL11B):c.1483G>A (p.Ala495Thr)

Gene: BCL11B (BCL11 transcription factor B; minus strand). Cytogenetic location: 14q32.2.
Variant type: single nucleotide variant.
Coding change: c.1483G>A on transcript NM_138576.4 (MANE Select); coding-DNA position 1483, G replaced by A.
Protein change: p.Ala495Thr; replaces alanine 495 with threonine.
Molecular consequence: missense variant.
Genome position (GRCh38, 1-based): chr14:99,175,353, C>T on the plus strand (G>A on the coding strand, the complement: BCL11B is on the minus strand). VCF-style: chr14-99175353-C-T. GRCh37 (hg19) VCF-style: chr14-99641690-C-T.
Other names: c.1480G>A, p.Ala494Thr (NM_001282237.2); c.1267G>A, p.Ala423Thr (NM_001282238.2); c.1270G>A, p.Ala424Thr (NM_022898.3); short protein forms A423T, A424T, A494T, A495T.
Identifiers: ClinVar variation 1169643 (VCV001169643.34), dbSNP rs61756332, ClinGen allele CA7339662.
Genomic context (GRCh38, chr14:99,175,353, plus strand): 5'-CGTCGGCCGCCTTGAGGCCCTCGCCCGCCAGCTCGCTGGTGCCGGGCTCGGGGGAGCTGG[C>T]GGCCGAGAGCCCGTCGTCGGAGCGGCCGGCCAGCGAGCCGGCCTTGTGCATGTGCGTCTT-3'
Protein context (NP_612808.1, residues 485-505): AGRSDDGLSA[Ala495Thr]SSPEPGTSEL

ClinVar aggregate classification (germline): Benign/Likely benign. Review status: criteria provided, multiple submitters, no conflicts (2 of 4 stars). 3 submissions from 3 submitters: Benign (1); Likely benign (2). Last evaluated 2025-12-18.

Allele frequency attached by ClinVar (database versions not stated): TOPMed 0.00008; gnomAD 0.00009 and 0.00015; gnomAD exomes 0.00021 and 0.00056; 1000 Genomes Project 30x 0.00062; 1000 Genomes Project 0.00080; ExAC 0.00164.
gnomAD v4.1: 331 of 1,563,146 alleles (0.021%); highest among the groups gnomAD compares: South Asian, 0.26%; 2 homozygotes.

Submissions (3):

Labcorp Genetics (formerly Invitae), Labcorp
Classification: Benign. Last evaluated: 2025-12-18. Review status: criteria provided, single submitter. Criteria: Invitae Variant Classification Sherloc (09022015). Collection method: clinical testing. Allele origin: germline.

Blueprint Genetics
Classification: Likely benign. Last evaluated: 2024-07-09. Review status: criteria provided, single submitter. Criteria: ACMG Guidelines, 2015. Collection method: clinical testing. Allele origin: germline.

CeGaT Center for Human Genetics Tuebingen
Classification: Likely benign. Last evaluated: 2023-07-01. Review status: criteria provided, single submitter. Criteria: CeGaT Center For Human Genetics Tuebingen Variant Classification Criteria Version 2. Collection method: clinical testing. Allele origin: germline. Affected: yes. Observed: 1 variant allele.
Comment: BCL11B: PP2, BS1